The following is an entry in ClinVar:

NM_198129.4(LAMA3):c.8941C>T (p.Gln2981Ter)

Gene: LAMA3 (laminin subunit alpha 3; plus strand). Cytogenetic location: 18q11.2.
Variant type: single nucleotide variant.
Coding change: c.8941C>T on transcript NM_198129.4 (MANE Select); coding-DNA position 8941, C replaced by T.
Protein change: p.Gln2981Ter; replaces glutamine 2981 with a stop codon.
Molecular consequence: nonsense.
Genome position (GRCh38, 1-based): chr18:23,939,301, C>T. VCF-style: chr18-23939301-C-T. GRCh37 (hg19) VCF-style: chr18-21519265-C-T.
Other names: c.4114C>T, p.Gln1372Ter (NM_000227.6); c.8773C>T, p.Gln2925Ter (NM_001127717.4); c.3946C>T, p.Gln1316Ter (NM_001127718.4); c.4114C>T (NM_000227.4); short protein forms Q1372*, Q2981*, Q1316*, Q2925*.
Identifiers: ClinVar variation 449049 (VCV000449049.16), dbSNP rs772038362, ClinGen allele CA8917040.
Genomic context (GRCh38, chr18:23,939,301, plus strand): 5'-GTGGCCTCCCCAAGGAGCGTGAAGGTGTGGCAAGATGCTTGCTCACCACTTCCCAAGACC[C>T]AGGCCAATCATGGAGCCCTCCAGTTTGGGGACATTCCCACCAGCCACTTGCTATTCAAGC-3'

ClinVar aggregate classification (germline): Pathogenic. Review status: criteria provided, multiple submitters, no conflicts (2 of 4 stars). 7 submissions from 6 submitters: Pathogenic (4). 3 of the submissions do not count toward it. Last evaluated 2025-12-13.

Conditions:
LAMA3-related disorder. Also called: LAMA3-related condition; LAMA3-related disorders.
Laryngo-onycho-cutaneous syndrome (JEB2C). Also called: EPIDERMOLYSIS BULLOSA, JUNCTIONAL 2C, LARYNGOONYCHOCUTANEOUS; LOGIC SYNDROME; SHABBIR SYNDROME. Identifiers: Orphanet 2407, MedGen C1328355, MONDO:0009513, OMIM 245660.
Junctional epidermolysis bullosa gravis of Herlitz. Also called: Epidermolysis Bullosa Letalis; Herlitz-type junctional epidermolysis bullosa; EPIDERMOLYSIS BULLOSA, JUNCTIONAL 1B, SEVERE; EPIDERMOLYSIS BULLOSA, JUNCTIONAL, HERLITZ-PEARSON TYPE; JEB-HERLITZ TYPE; EPIDERMOLYSIS BULLOSA JUNCTIONALIS, HERLITZ TYPE. Identifiers: Orphanet 79404, MedGen C0079683, MONDO:0009182, OMIM 226700.
Junctional epidermolysis bullosa, non-Herlitz type. Also called: Adult junctional epidermolysis bullosa; Epidermolysis bullosa, junctional, non-herlitz type, somatic mosaic revertant; COL17A1-Related Junctional Epidermolysis Bullosa; EPIDERMOLYSIS BULLOSA, JUNCTIONAL 1A, INTERMEDIATE; EPIDERMOLYSIS BULLOSA JUNCTIONALIS, PROGRESSIVE; EPIDERMOLYSIS BULLOSA JUNCTIONALIS, SEVERE NONLETHAL. Identifiers: Orphanet 251393, Orphanet 79402, Orphanet 79405, Orphanet 89840, MedGen C0268374, MONDO:0009180, OMIM 226650.

Allele frequency attached by ClinVar (database versions not stated): gnomAD 0.00001; gnomAD exomes 0.00001; TOPMed 0.00001; ExAC 0.00002.
gnomAD v4.1: 13 of 1,614,054 alleles (0.00081%); highest among the groups gnomAD compares: Non-Finnish European, 0.0011%; no homozygotes.

Submissions (7):

Labcorp Genetics (formerly Invitae), Labcorp
Classification: Pathogenic. Last evaluated: 2025-12-13. Review status: criteria provided, single submitter. Criteria: Invitae Variant Classification Sherloc (09022015). Collection method: clinical testing. Allele origin: germline.
Comment: This sequence change creates a premature translational stop signal (p.Gln1372*) in the LAMA3 gene. It is expected to result in an absent or disrupted protein product. Loss-of-function variants in LAMA3 are known to be pathogenic (PMID: 10366601, 11810295, 12915477, 16473856, 17362460, 22434185, 23869449, 27827380, 28087116). This variant is present in population databases (rs772038362, gnomAD 0.003%). This variant has not been reported in the literature in individuals affected with LAMA3-related conditions. ClinVar contains an entry for this variant (Variation ID: 449049). For these reasons, this variant has been classified as Pathogenic.

Blueprint Genetics
Classification: Pathogenic for LAMA3-related disorders. Last evaluated: 2024-05-22. Review status: criteria provided, single submitter. Criteria: ACMG Guidelines, 2015. Collection method: clinical testing. Allele origin: germline. Affected: yes. Observed: 4 variant alleles.

GeneDx
Classification: Pathogenic. Last evaluated: 2019-02-28. Review status: criteria provided, single submitter. Criteria: GeneDx Variant Classification Process June 2021. Collection method: clinical testing. Allele origin: germline. Affected: yes.
Comment: Nonsense variant predicted to result in protein truncation or nonsense mediated decay in a gene for which loss-of-function is a known mechanism of disease; Not observed at a significant frequency in large population cohorts (Lek et al., 2016); Has not been previously published as pathogenic or benign to our knowledge

Fulgent Genetics
Classification: Pathogenic for Junctional epidermolysis bullosa, non-Herlitz type; Junctional epidermolysis bullosa gravis of Herlitz; Laryngo-onycho-cutaneous syndrome. Last evaluated: 2018-10-31. Review status: criteria provided, single submitter. Criteria: ACMG Guidelines, 2015. Collection method: clinical testing. Allele origin: unknown.

PreventionGenetics, part of Exact Sciences
Classification: Likely pathogenic for LAMA3-related condition. Last evaluated: 2024-02-29. Review status: no assertion criteria provided. Collection method: clinical testing. Allele origin: germline. Not counted in ClinVar's aggregate classification.
Comment: The LAMA3 c.4114C>T variant is predicted to result in premature protein termination (p.Gln1372*). To our knowledge, this variant has not been reported in the literature. This variant is reported in 0.0026% of alleles in individuals of European (non-Finnish) descent in gnomAD. Nonsense variants in LAMA3 are expected to be pathogenic. This variant is interpreted as likely pathogenic.

Counsyl
Classification: Likely pathogenic for Junctional epidermolysis bullosa, non-Herlitz type. Last evaluated: 2014-01-02. Review status: no assertion criteria provided. Collection method: clinical testing. Allele origin: unknown. Not counted in ClinVar's aggregate classification.

Counsyl
Classification: Likely pathogenic for Junctional epidermolysis bullosa gravis of Herlitz. Last evaluated: 2014-01-02. Review status: no assertion criteria provided. Collection method: clinical testing. Allele origin: unknown. Not counted in ClinVar's aggregate classification.

Literature cited by the submitters: PubMed 10366601 (cited by Labcorp Genetics (formerly Invitae), Labcorp); PubMed 11810295 (cited by Labcorp Genetics (formerly Invitae), Labcorp); PubMed 12915477 (cited by Labcorp Genetics (formerly Invitae), Labcorp); PubMed 16473856 (cited by Labcorp Genetics (formerly Invitae), Labcorp); PubMed 17362460 (cited by Labcorp Genetics (formerly Invitae), Labcorp); PubMed 22434185 (cited by Labcorp Genetics (formerly Invitae), Labcorp); PubMed 23869449 (cited by Labcorp Genetics (formerly Invitae), Labcorp); PubMed 27827380 (cited by Labcorp Genetics (formerly Invitae), Labcorp); PubMed 28087116 (cited by Labcorp Genetics (formerly Invitae), Labcorp).